The following is an entry in ClinVar:

NM_004629.2(FANCG):c.418C>A (p.His140Asn)

Gene: FANCG (FA complementation group G; minus strand). Cytogenetic location: 9p13.3.
Variant type: single nucleotide variant.
Coding change: c.418C>A on transcript NM_004629.2 (MANE Select); coding-DNA position 418, C replaced by A.
Protein change: p.His140Asn; replaces histidine 140 with asparagine.
Molecular consequence: missense variant.
Genome position (GRCh38, 1-based): chr9:35,078,233, G>T on the plus strand (C>A on the coding strand, the complement: FANCG is on the minus strand). VCF-style: chr9-35078233-G-T. GRCh37 (hg19) VCF-style: chr9-35078230-G-T.
Other names: short protein forms H140N.
Identifiers: ClinVar variation 4022509 (VCV004022509.1).

ClinVar aggregate classification (germline): Uncertain significance (1 of 4 stars; one submission).

Conditions:
Inborn genetic diseases. Identifiers: MedGen C0950123, MeSH D030342.

Submission:

Ambry Genetics
Classification: Uncertain significance for Inborn genetic diseases. Last evaluated: 2025-05-04. Review status: criteria provided, single submitter. Criteria: Ambry Variant Classification Scheme 2023. Collection method: clinical testing. Allele origin: germline.
Comment: The p.H140N variant (also known as c.418C>A), located in coding exon 4 of the FANCG gene, results from a C to A substitution at nucleotide position 418. The histidine at codon 140 is replaced by asparagine, an amino acid with similar properties. This amino acid position is conserved. In addition, the in silico prediction for this alteration is inconclusive. Based on the available evidence, the clinical significance of this variant remains unclear.